The following is an entry in ClinVar:

NM_001077350.3(NPRL3):c.569del (p.Pro190fs)

Genes: HBA-LCR (alpha-globin locus control region; plus strand), NPRL3 (NPR3 like, GATOR1 complex subunit; minus strand). Cytogenetic location: 16p13.3.
Variant type: Deletion.
Coding change: c.569del on transcript NM_001077350.3 (MANE Select); coding-DNA position 569, one base deleted (C; older notation c.569delC).
Protein change: p.Pro190fs; shifts the reading frame from proline 190.
Molecular consequence: frameshift variant.
Genome position (GRCh38, 1-based): chr16:110,585, G deleted on the plus strand (C on the coding strand, the reverse complement: NPRL3 is on the minus strand); the first of 4 consecutive G bases (chr16:110,585-110,588); deleting any one gives the same sequence. VCF-style (leftmost placement, unchanged base first): chr16-110584-TG-T. GRCh37 (hg19) VCF-style: chr16-160582-TG-T.
Other names: c.32del, p.Pro11fs (NM_001039476.3); c.335del, p.Pro112fs (NM_001243247.2); c.494del, p.Pro165fs (NM_001243248.2, NM_001243249.2); short protein forms P112fs, P11fs, P165fs, P190fs.
Identifiers: ClinVar variation 1711397 (VCV001711397.30), dbSNP rs2542851946, ClinGen allele CA2580090528.

ClinVar aggregate classification (germline): Pathogenic (1 of 4 stars; one submission).

Submission:

CeGaT Center for Human Genetics Tuebingen
Classification: Pathogenic. Last evaluated: 2022-09-01. Review status: criteria provided, single submitter. Criteria: CeGaT Center For Human Genetics Tuebingen Variant Classification Criteria Version 2. Collection method: clinical testing. Allele origin: germline. Affected: yes. Observed: 1 variant allele.
Comment: NPRL3: PVS1, PM2